The following is an entry in ClinVar:

NM_013382.7(POMT2):c.36C>A (p.Ser12=)

Gene: POMT2 (protein O-mannosyltransferase 2; minus strand). Cytogenetic location: 14q24.3.
Variant type: single nucleotide variant.
Coding change: c.36C>A on transcript NM_013382.7 (MANE Select); coding-DNA position 36, C replaced by A.
Protein change: p.Ser12=; no amino-acid change (serine 12 retained).
Molecular consequence: synonymous variant.
Genome position (GRCh38, 1-based): chr14:77,320,646, G>T on the plus strand (C>A on the coding strand, the complement: POMT2 is on the minus strand). VCF-style: chr14-77320646-G-T. GRCh37 (hg19) VCF-style: chr14-77786989-G-T.
Identifiers: ClinVar variation 704269 (VCV000704269.35), dbSNP rs771074829, ClinGen allele CA7286299.

ClinVar aggregate classification (germline): Likely benign. Review status: criteria provided, multiple submitters, no conflicts (2 of 4 stars). 2 submissions from 2 submitters: Likely benign (2). Last evaluated 2025-04-13.

Conditions:
Autosomal recessive limb-girdle muscular dystrophy type 2N. Also called: MUSCULAR DYSTROPHY-DYSTROGLYCANOPATHY, LIMB-GIRDLE, POMT2-RELATED; Muscular dystrophy-dystroglycanopathy (limb-girdle), type C, 2. Identifiers: Orphanet 206559, MedGen C3150418, MONDO:0013162, OMIM 613158.
Muscular dystrophy-dystroglycanopathy (congenital with brain and eye anomalies), type A2. Also called: MUSCULAR DYSTROPHY-DYSTROGLYCANOPATHY (CONGENITAL WITH BRAIN AND EYE ANOMALIES), TYPE A, 2; WALKER-WARBURG SYNDROME OR MUSCLE-EYE-BRAIN DISEASE, POMT2-RELATED. Identifiers: Orphanet 588, Orphanet 899, MedGen C3150411, MONDO:0013154, OMIM 613150.
Muscular dystrophy-dystroglycanopathy (congenital with impaired intellectual development), type B, 2. Also called: Muscular dystrophy-dystroglycanopathy (congenital with intellectual disability), type B2; MUSCULAR DYSTROPHY, CONGENITAL, POMT2-RELATED. Identifiers: MedGen C3150416, MONDO:0013160, OMIM 613156.

Allele frequency attached by ClinVar (database versions not stated): gnomAD exomes 0.00005 and 0.00006; TOPMed 0.00006; gnomAD 0.00013 and 0.00014; ExAC 0.00001.
gnomAD v4.1: 94 of 1,593,598 alleles (0.0059%); highest among the groups gnomAD compares: Admixed American, 0.032%; no homozygotes.

Submissions (2):

Labcorp Genetics (formerly Invitae), Labcorp
Classification: Likely benign for Muscular dystrophy-dystroglycanopathy (congenital with impaired intellectual development), type B, 2; Muscular dystrophy-dystroglycanopathy (congenital with brain and eye anomalies), type A2; Autosomal recessive limb-girdle muscular dystrophy type 2N. Last evaluated: 2025-04-13. Review status: criteria provided, single submitter. Criteria: Invitae Variant Classification Sherloc (09022015). Collection method: clinical testing. Allele origin: germline.

CeGaT Center for Human Genetics Tuebingen
Classification: Likely benign. Last evaluated: 2022-07-01. Review status: criteria provided, single submitter. Criteria: CeGaT Center For Human Genetics Tuebingen Variant Classification Criteria Version 2. Collection method: clinical testing. Allele origin: germline. Affected: yes. Observed: 1 variant allele.
Comment: POMT2: BP4, BP7